The following is an entry in ClinVar:

ClinVar aggregate classification (germline): Uncertain significance. Review status: criteria provided, multiple submitters, no conflicts (2 of 4 stars). 2 submissions from 2 submitters: Uncertain significance (2). Last evaluated 2025-10-23.

Conditions:
Inborn genetic diseases. Identifiers: MedGen C0950123, MeSH D030342.

Allele frequency attached by ClinVar (database versions not stated): ExAC 0.00005; ESP Exome Variant Server 0.00008; gnomAD exomes 0.00003; gnomAD 0.00002; TOPMed 0.00005.

Submissions (2):

Labcorp Genetics (formerly Invitae), Labcorp
Classification: Uncertain significance. Last evaluated: 2025-10-23. Review status: criteria provided, single submitter. Criteria: Invitae Variant Classification Sherloc (09022015). Collection method: clinical testing. Allele origin: germline.
Comment: This sequence change replaces serine, which is neutral and polar, with leucine, which is neutral and non-polar, at codon 1861 of the DCHS1 protein (p.Ser1861Leu). This variant is present in population databases (rs368323640, gnomAD 0.05%). This variant has not been reported in the literature in individuals affected with DCHS1-related conditions. ClinVar contains an entry for this variant (Variation ID: 2885330). Invitae Evidence Modeling of protein sequence and biophysical properties (such as structural, functional, and spatial information, amino acid conservation, physicochemical variation, residue mobility, and thermodynamic stability) has been performed for this missense variant. However, the output from this modeling did not meet the statistical confidence thresholds required to predict the impact of this variant on DCHS1 protein function. In summary, the available evidence is currently insufficient to determine the role of this variant in disease. Therefore, it has been classified as a Variant of Uncertain Significance.

Ambry Genetics
Classification: Uncertain significance for Inborn genetic diseases. Last evaluated: 2024-08-04. Review status: criteria provided, single submitter. Criteria: Ambry Variant Classification Scheme 2023. Collection method: clinical testing. Allele origin: germline.

NM_003737.4(DCHS1):c.5582C>T (p.Ser1861Leu)

Gene: DCHS1 (dachsous cadherin-related 1; minus strand). Cytogenetic location: 11p15.4.
Variant type: single nucleotide variant.
Coding change: c.5582C>T on transcript NM_003737.4 (MANE Select); coding-DNA position 5582, C replaced by T.
Protein change: p.Ser1861Leu; replaces serine 1861 with leucine.
Molecular consequence: missense variant.
Genome position (GRCh38, 1-based): chr11:6,627,457, G>A on the plus strand (C>T on the coding strand, the complement: DCHS1 is on the minus strand). VCF-style: chr11-6627457-G-A. GRCh37 (hg19) VCF-style: chr11-6648688-G-A.
Other names: c.5582C>T (NM_003737.2); short protein forms S1861L.
Identifiers: ClinVar variation 2885330 (VCV002885330.4), dbSNP rs368323640, ClinGen allele CA5860062.